The following is an entry in ClinVar:

ClinVar aggregate classification (germline): Likely benign. Review status: criteria provided, single submitter (1 of 4 stars). 2 submissions from 2 submitters: Likely benign (1). 1 of the submissions does not count toward it. Last evaluated 2025-12-01.

Conditions:
TUBB3-related disorder. Also called: TUBB3-related disorders; TUBB3-related condition.

Allele frequency attached by ClinVar (database versions not stated): ExAC 0.00001; gnomAD exomes 0.00002; gnomAD 0.00004; TOPMed 0.00006; ESP Exome Variant Server 0.00008.
gnomAD v4.1: 40 of 1,613,798 alleles (0.0025%); highest among the groups gnomAD compares: African/African-American, 0.02%; no homozygotes.

Submissions (2):

Labcorp Genetics (formerly Invitae), Labcorp
Classification: Likely benign. Last evaluated: 2025-12-01. Review status: criteria provided, single submitter. Criteria: Invitae Variant Classification Sherloc (09022015). Collection method: clinical testing. Allele origin: germline.

PreventionGenetics, part of Exact Sciences
Classification: Likely benign for TUBB3-related condition. Last evaluated: 2024-02-20. Review status: no assertion criteria provided. Collection method: clinical testing. Allele origin: germline. Not counted in ClinVar's aggregate classification.
Comment: This variant is classified as likely benign based on ACMG/AMP sequence variant interpretation guidelines (Richards et al. 2015 PMID: 25741868, with internal and published modifications).

NM_006086.4(TUBB3):c.1248C>T (p.Asn416=)

Gene: TUBB3 (tubulin beta 3 class III; plus strand). Cytogenetic location: 16q24.3.
Variant type: single nucleotide variant.
Coding change: c.1248C>T on transcript NM_006086.4 (MANE Select); coding-DNA position 1248, C replaced by T.
Protein change: p.Asn416=; no amino-acid change (asparagine 416 retained).
Molecular consequence: synonymous variant.
Genome position (GRCh38, 1-based): chr16:89,935,699, C>T. VCF-style: chr16-89935699-C-T. GRCh37 (hg19) VCF-style: chr16-90002107-C-T.
Other names: c.1032C>T, p.Asn344= (NM_001197181.2).
Identifiers: ClinVar variation 3030986 (VCV003030986.3), dbSNP rs369375632, ClinGen allele CA8256226.